The following is an entry in ClinVar:

ClinVar aggregate classification (germline): Conflicting classifications of pathogenicity. Review status: criteria provided, conflicting classifications (1 of 4 stars). 11 submissions from 10 submitters: Uncertain significance (7); Benign (1); Likely benign (1). 2 of the submissions do not count toward it. Last evaluated 2025-12-10.

Conditions:
Aortic valve disease 1 (AOVD1). Identifiers: MedGen C3887892, MONDO:0024523, OMIM 109730.
Adams-Oliver syndrome 5 (AOS5). Identifiers: Orphanet 974, MedGen C4014970, MONDO:0014459, OMIM 616028.
Familial thoracic aortic aneurysm and aortic dissection (TAAD). Also called: Thoracic aortic aneurysms and dissections. Identifiers: Orphanet 91387, MedGen C4707243, MONDO:0019625.

Allele frequency attached by ClinVar (database versions not stated): gnomAD 0.00004; TOPMed 0.00002; ExAC 0.00003; gnomAD exomes 0.00004.
gnomAD v4.1: 70 of 1,612,622 alleles (0.0043%); highest among the groups gnomAD compares: Non-Finnish European, 0.0051%; no homozygotes.

Submissions (11):

Labcorp Genetics (formerly Invitae), Labcorp
Classification: Benign for Adams-Oliver syndrome 5. Last evaluated: 2025-12-10. Review status: criteria provided, single submitter. Criteria: Invitae Variant Classification Sherloc (09022015). Collection method: clinical testing. Allele origin: germline.

Mayo Clinic Laboratories, Mayo Clinic
Classification: Uncertain significance. Last evaluated: 2025-07-09. Review status: criteria provided, single submitter. Criteria: ACMG Guidelines, 2015. Collection method: clinical testing. Allele origin: germline. Observed: 1 variant allele.
Comment: PP2

Centre of Medical Genetics, University of Antwerp
Classification: Uncertain significance for Familial thoracic aortic aneurysm and aortic dissection. Last evaluated: 2024-09-06. Review status: criteria provided, single submitter. Criteria: ACMG Guidelines, 2015. Collection method: clinical testing. Allele origin: germline. Affected: yes.

Ambry Genetics
Classification: Likely benign for Familial thoracic aortic aneurysm and aortic dissection. Last evaluated: 2024-05-06. Review status: criteria provided, single submitter. Criteria: Ambry Variant Classification Scheme 2023. Collection method: clinical testing. Allele origin: germline.

GeneDx
Classification: Uncertain significance. Last evaluated: 2023-04-14. Review status: criteria provided, single submitter. Criteria: GeneDx Variant Classification Process June 2021. Collection method: clinical testing. Allele origin: germline. Affected: yes.
Comment: Has not been previously published as pathogenic or benign in association with a NOTCH1-related disorder to our knowledge; In silico analysis supports that this missense variant does not alter protein structure/function; This variant is associated with the following publications: (PMID: 24113472, 28377411)

Genome-Nilou Lab
Classification: Uncertain significance for Adams-Oliver syndrome 5. Last evaluated: 2022-03-15. Review status: criteria provided, single submitter. Criteria: ACMG Guidelines, 2015. Collection method: clinical testing. Allele origin: germline. Affected: no.

Genome-Nilou Lab
Classification: Uncertain significance for Aortic valve disease 1. Last evaluated: 2022-03-15. Review status: criteria provided, single submitter. Criteria: ACMG Guidelines, 2015. Collection method: clinical testing. Allele origin: germline. Affected: no.

Genetics and Molecular Pathology, SA Pathology
Classification: Uncertain significance for Aortic valve disease 1. Last evaluated: 2021-03-31. Review status: criteria provided, single submitter. Criteria: ACMG Guidelines, 2015. Collection method: clinical testing. Allele origin: germline. Affected: yes.
Comment: The NOTCH1 c.6521A>G variant is classified as VUS (PM2) Arginine is observed at this location in many mammals so likely to be tolerated.

Fulgent Genetics
Classification: Uncertain significance for Aortic valve disease 1; Adams-Oliver syndrome 5. Last evaluated: 2018-10-31. Review status: criteria provided, single submitter. Criteria: ACMG Guidelines, 2015. Collection method: clinical testing. Allele origin: unknown.

Clinical Genetics DNA and cytogenetics Diagnostics Lab, Erasmus MC, Erasmus Medical Center
Classification: Likely benign. Review status: no assertion criteria provided. Collection method: clinical testing. Allele origin: germline. Affected: yes. Study: VKGL Data-share Consensus. Not counted in ClinVar's aggregate classification.

Joint Genome Diagnostic Labs from Nijmegen and Maastricht, Radboudumc and MUMC+
Classification: Likely benign. Review status: no assertion criteria provided. Collection method: clinical testing. Allele origin: germline. Affected: yes. Study: VKGL Data-share Consensus. Not counted in ClinVar's aggregate classification.

NM_017617.5(NOTCH1):c.6521A>G (p.Lys2174Arg)

Gene: NOTCH1 (notch receptor 1; minus strand). Cytogenetic location: 9q34.3.
Variant type: single nucleotide variant.
Coding change: c.6521A>G on transcript NM_017617.5 (MANE Select); coding-DNA position 6521, A replaced by G.
Protein change: p.Lys2174Arg; replaces lysine 2174 with arginine.
Molecular consequence: missense variant.
Genome position (GRCh38, 1-based): chr9:136,497,218, T>C on the plus strand (A>G on the coding strand, the complement: NOTCH1 is on the minus strand). VCF-style: chr9-136497218-T-C. GRCh37 (hg19) VCF-style: chr9-139391670-T-C.
Other names: p.Lys2174Arg; c.6521A>G, p.Lys2174Arg (LRG_1122t1); short protein forms K2174R.
Identifiers: ClinVar variation 264003 (VCV000264003.26), dbSNP rs761602495, ClinGen allele CA5339880.
Genomic context (GRCh38, chr9:136,497,218, plus strand): 5'-GAGCTGTCCAGCAGGCAGCCCTTGCCGTCCTGGGACTTCTTCCTCCGTGCCTTGAGGTCC[T>C]TGGCCTCCTTGCTTCCACAGGCCAGGCCTTTGCTGCTGGGCTTGCGGACCTTCTTGCCCT-3'
Protein context (NP_060087.3, residues 2164-2184): KGLACGSKEA[Lys2174Arg]DLKARRKKSQ